The following is an entry in ClinVar:

NM_001614.5(ACTG1):c.689C>A (p.Ala230Asp)

Gene: ACTG1 (actin gamma 1; minus strand). Cytogenetic location: 17q25.3.
Variant type: single nucleotide variant.
Coding change: c.689C>A on transcript NM_001614.5 (MANE Select); coding-DNA position 689, C replaced by A.
Protein change: p.Ala230Asp; replaces alanine 230 with aspartic acid.
Molecular consequence: missense variant. On other transcripts: non-coding transcript variant (1).
Genome position (GRCh38, 1-based): chr17:81,511,301, G>T on the plus strand (C>A on the coding strand, the complement: ACTG1 is on the minus strand). VCF-style: chr17-81511301-G-T. GRCh37 (hg19) VCF-style: chr17-79478327-G-T.
Other names: c.689C>A, p.Ala230Asp (NM_001199954.3); short protein forms A230D.
Identifiers: ClinVar variation 2196600 (VCV002196600.4), dbSNP rs782124831, ClinGen allele CA8836020.

ClinVar aggregate classification (germline): Uncertain significance (1 of 4 stars; one submission).

Conditions:
Baraitser-winter syndrome 2. Identifiers: Orphanet 2995, MedGen C3281235, MONDO:0013812, OMIM 614583.
Autosomal dominant nonsyndromic hearing loss 20. Identifiers: Orphanet 90635, MedGen C1858172, MONDO:0011480, OMIM 604717.

Allele frequency attached by ClinVar (database versions not stated): gnomAD exomes below 0.00001; TOPMed below 0.00001; ExAC 0.00001.
gnomAD v4.1: 1 of 1,613,788 alleles (0.000062%); highest among the groups gnomAD compares: African/African-American, 0.0013%; no homozygotes.

Submission:

Labcorp Genetics (formerly Invitae), Labcorp
Classification: Uncertain significance for Baraitser-winter syndrome 2; Autosomal dominant nonsyndromic hearing loss 20. Last evaluated: 2023-10-15. Review status: criteria provided, single submitter. Criteria: Invitae Variant Classification Sherloc (09022015). Collection method: clinical testing. Allele origin: germline.
Comment: This sequence change replaces alanine, which is neutral and non-polar, with aspartic acid, which is acidic and polar, at codon 230 of the ACTG1 protein (p.Ala230Asp). This variant is present in population databases (rs782124831, gnomAD 0.007%). This variant has not been reported in the literature in individuals affected with ACTG1-related conditions. ClinVar contains an entry for this variant (Variation ID: 2196600). Advanced modeling of protein sequence and biophysical properties (such as structural, functional, and spatial information, amino acid conservation, physicochemical variation, residue mobility, and thermodynamic stability) performed at Invitae indicates that this missense variant is not expected to disrupt ACTG1 protein function. In summary, the available evidence is currently insufficient to determine the role of this variant in disease. Therefore, it has been classified as a Variant of Uncertain Significance.